The following is an entry in ClinVar:

ClinVar aggregate classification (germline): Pathogenic (1 of 4 stars; one submission).

Allele frequency attached by ClinVar (database versions not stated): gnomAD exomes 0.00001; TOPMed 0.00001; ExAC 0.00002; gnomAD 0.00002.

Submission:

Labcorp Genetics (formerly Invitae), Labcorp
Classification: Pathogenic. Last evaluated: 2024-03-10. Review status: criteria provided, single submitter. Criteria: Invitae Variant Classification Sherloc (09022015). Collection method: clinical testing. Allele origin: germline.
Comment: This sequence change creates a premature translational stop signal (p.Arg221*) in the GFM1 gene. It is expected to result in an absent or disrupted protein product. Loss-of-function variants in GFM1 are known to be pathogenic (PMID: 16632485, 17160893). This variant is present in population databases (rs780762234, gnomAD 0.003%). This variant has not been reported in the literature in individuals affected with GFM1-related conditions. ClinVar contains an entry for this variant (Variation ID: 860673). For these reasons, this variant has been classified as Pathogenic.

Literature cited by the submitters: PubMed 16632485; PubMed 17160893.

NM_024996.7(GFM1):c.661C>T (p.Arg221Ter)

Gene: GFM1 (G elongation factor mitochondrial 1; plus strand). Cytogenetic location: 3q25.32.
Variant type: single nucleotide variant.
Coding change: c.661C>T on transcript NM_024996.7 (MANE Select); coding-DNA position 661, C replaced by T.
Protein change: p.Arg221Ter; replaces arginine 221 with a stop codon.
Molecular consequence: nonsense. On other transcripts: non-coding transcript variant (2), intron variant (3).
Genome position (GRCh38, 1-based): chr3:158,649,129, C>T. VCF-style: chr3-158649129-C-T. GRCh37 (hg19) VCF-style: chr3-158366918-C-T.
Other names: c.661C>T, p.Arg221Ter (NM_001308164.2, NM_001308166.2, NM_001374355.1); c.436C>T, p.Arg146Ter (NM_001374357.1); c.94C>T, p.Arg32Ter (NM_001374359.1, NM_001374360.1); c.572+2182C>T (NM_001374356.1); c.6-2967C>T (NM_001374361.1); c.235-2971C>T (NM_001374358.1); short protein forms R146*, R221*, R32*.
Identifiers: ClinVar variation 860673 (VCV000860673.9), dbSNP rs780762234, ClinGen allele CA2682378.